The following is an entry in ClinVar:

ClinVar aggregate classification (germline): Conflicting classifications of pathogenicity. Review status: criteria provided, conflicting classifications (1 of 4 stars). 2 submissions from 2 submitters: Uncertain significance (1); Likely benign (1). Last evaluated 2026-04-01.

Conditions:
Emery-Dreifuss muscular dystrophy 5, autosomal dominant (EDMD5). Also called: EMERY-DREIFUSS MUSCULAR DYSTROPHY 5. Identifiers: Orphanet 261, MedGen C2751805, MONDO:0013072, OMIM 612999.

Allele frequency attached by ClinVar (database versions not stated): TOPMed 0.00002; gnomAD exomes 0.00005; ESP Exome Variant Server 0.00008; gnomAD 0.00011; ExAC 0.00019.
gnomAD v4.1: 99 of 1,613,548 alleles (0.0061%); highest among the groups gnomAD compares: Non-Finnish European, 0.0028%; no homozygotes.

Submissions (2):

CeGaT Center for Human Genetics Tuebingen
Classification: Likely benign. Last evaluated: 2026-04-01. Review status: criteria provided, single submitter. Criteria: CeGaT Center For Human Genetics Tuebingen Variant Classification Criteria Version 2. Collection method: clinical testing. Allele origin: germline. Affected: yes. Observed: 1 variant allele.
Comment: SYNE2: BS2

Revvity Omics, Revvity
Classification: Uncertain significance for Emery-Dreifuss muscular dystrophy 5, autosomal dominant. Last evaluated: 2019-10-08. Review status: criteria provided, single submitter. Criteria: ACMG Guidelines, 2015. Collection method: clinical testing. Allele origin: germline.

NM_182914.3(SYNE2):c.5503C>A (p.His1835Asn)

Gene: SYNE2 (spectrin repeat containing nuclear envelope protein 2; plus strand). Cytogenetic location: 14q23.2.
Variant type: single nucleotide variant.
Coding change: c.5503C>A on transcript NM_182914.3 (MANE Select); coding-DNA position 5503, C replaced by A.
Protein change: p.His1835Asn; replaces histidine 1835 with asparagine.
Molecular consequence: missense variant.
Genome position (GRCh38, 1-based): chr14:64,022,007, C>A. VCF-style: chr14-64022007-C-A. GRCh37 (hg19) VCF-style: chr14-64488725-C-A.
Other names: c.5503C>A, p.His1835Asn (NM_015180.6); short protein forms H1835N.
Identifiers: ClinVar variation 2436889 (VCV002436889.5), dbSNP rs201005327, ClinGen allele CA7220474.